The following is an entry in ClinVar:

NM_032119.4(ADGRV1):c.4746dup (p.Pro1583fs)

Gene: ADGRV1 (adhesion G protein-coupled receptor V1; plus strand). Cytogenetic location: 5q14.3.
Variant type: Duplication.
Coding change: c.4746dup on transcript NM_032119.4 (MANE Select); coding-DNA position 4746, one base duplicated (A; older notation c.4746dupA).
Protein change: p.Pro1583fs; shifts the reading frame from proline 1583.
Molecular consequence: frameshift variant. On other transcripts: non-coding transcript variant (1).
Genome position (GRCh38, 1-based): chr5:90,658,272, A duplicated. VCF-style (leftmost placement, unchanged base first): chr5-90658271-T-TA. GRCh37 (hg19) VCF-style: chr5-89954088-T-TA.
Other names: short protein forms P1583fs.
Identifiers: ClinVar variation 2105399 (VCV002105399.4), dbSNP rs1364055998, ClinGen allele CA815352896.

ClinVar aggregate classification (germline): Pathogenic (1 of 4 stars; one submission).

Allele frequency attached by ClinVar (database versions not stated): TOPMed below 0.00001.

Submission:

Labcorp Genetics (formerly Invitae), Labcorp
Classification: Pathogenic. Last evaluated: 2022-05-04. Review status: criteria provided, single submitter. Criteria: Invitae Variant Classification Sherloc (09022015). Collection method: clinical testing. Allele origin: germline.
Comment: For these reasons, this variant has been classified as Pathogenic. This variant has not been reported in the literature in individuals affected with ADGRV1-related conditions. This variant is not present in population databases (gnomAD no frequency). This sequence change creates a premature translational stop signal (p.Pro1583Thrfs*15) in the ADGRV1 gene. It is expected to result in an absent or disrupted protein product. Loss-of-function variants in ADGRV1 are known to be pathogenic (PMID: 19357117, 22135276, 22147658, 26226137, 26667666, 30029497, 32467589).

Literature cited by the submitters: PubMed 19357117; PubMed 22135276; PubMed 22147658; PubMed 26226137; PubMed 26667666; PubMed 30029497; PubMed 32467589.